The following is an entry in ClinVar:

ClinVar aggregate classification (germline): Uncertain significance (1 of 4 stars; one submission).

Conditions:
Familial cancer of breast. Also called: BREAST CANCER, FAMILIAL; hereditary breast carcinoma; Hereditary breast cancer. Identifiers: Orphanet 227535, MedGen C0346153, MONDO:0016419, OMIM 114480. Disease mechanism: loss of function.
Fanconi anemia complementation group J. Also called: BRIP1-Related Fanconi Anemia. Identifiers: Orphanet 84, MedGen C1836860, MONDO:0012187, OMIM 609054.

Submission:

Labcorp Genetics (formerly Invitae), Labcorp
Classification: Uncertain significance for Familial cancer of breast; Fanconi anemia complementation group J. Last evaluated: 2021-04-23. Review status: criteria provided, single submitter. Criteria: Invitae Variant Classification Sherloc (09022015). Collection method: clinical testing. Allele origin: germline.
Comment: Algorithms developed to predict the effect of missense changes on protein structure and function (SIFT, PolyPhen-2, Align-GVGD) all suggest that this variant is likely to be tolerated, but these predictions have not been confirmed by published functional studies and their clinical significance is uncertain. In summary, the available evidence is currently insufficient to determine the role of this variant in disease. Therefore, it has been classified as a Variant of Uncertain Significance. This variant has not been reported in the literature in individuals with BRIP1-related conditions. This variant is not present in population databases (ExAC no frequency). This sequence change replaces proline with histidine at codon 129 of the BRIP1 protein (p.Pro129His). The proline residue is moderately conserved and there is a moderate physicochemical difference between proline and histidine.

NM_032043.3(BRIP1):c.386C>A (p.Pro129His)

Gene: BRIP1 (BRCA1 interacting DNA helicase 1; minus strand). Cytogenetic location: 17q23.2.
Variant type: single nucleotide variant.
Coding change: c.386C>A on transcript NM_032043.3 (MANE Select); coding-DNA position 386, C replaced by A.
Protein change: p.Pro129His; replaces proline 129 with histidine.
Molecular consequence: missense variant.
Genome position (GRCh38, 1-based): chr17:61,849,250, G>T on the plus strand (C>A on the coding strand, the complement: BRIP1 is on the minus strand). VCF-style: chr17-61849250-G-T. GRCh37 (hg19) VCF-style: chr17-59926611-G-T.
Other names: short protein forms P129H.
Identifiers: ClinVar variation 1390010 (VCV001390010.9), dbSNP rs587780831, ClinGen allele CA400484603.